The following is an entry in ClinVar:

NM_052947.4(ALPK2):c.5865G>C (p.Lys1955Asn)

Gene: ALPK2 (alpha kinase 2; minus strand). Cytogenetic location: 18q21.31.
Variant type: single nucleotide variant.
Coding change: c.5865G>C on transcript NM_052947.4 (MANE Select); coding-DNA position 5865, G replaced by C.
Protein change: p.Lys1955Asn; replaces lysine 1955 with asparagine.
Molecular consequence: missense variant.
Genome position (GRCh38, 1-based): chr18:58,516,983, C>G on the plus strand (G>C on the coding strand, the complement: ALPK2 is on the minus strand). VCF-style: chr18-58516983-C-G. GRCh37 (hg19) VCF-style: chr18-56184215-C-G.
Other names: short protein forms K1955N.
Identifiers: ClinVar variation 3228822 (VCV003228822.1), dbSNP rs1268922668, ClinGen allele CA402548444.

ClinVar aggregate classification (germline): Uncertain significance (1 of 4 stars; one submission).

Submission:

Ambry Genetics
Classification: Uncertain significance. Last evaluated: 2024-01-11. Review status: criteria provided, single submitter. Criteria: Ambry Variant Classification Scheme 2023. Collection method: clinical testing. Allele origin: germline.
Comment: The p.K1955N variant (also known as c.5865G>C), located in coding exon 8 of the ALPK2 gene, results from a G to C substitution at nucleotide position 5865. The lysine at codon 1955 is replaced by asparagine, an amino acid with similar properties. This amino acid position is conserved. In addition, this alteration is predicted to be tolerated by in silico analysis. Since supporting evidence is limited at this time, the clinical significance of this alteration remains unclear.